The following is an entry in ClinVar:

ClinVar aggregate classification (germline): Uncertain significance. Review status: criteria provided, multiple submitters, no conflicts (2 of 4 stars). 4 submissions from 4 submitters: Uncertain significance (4). Last evaluated 2026-01-12.

Conditions:
Emery-Dreifuss muscular dystrophy 5, autosomal dominant (EDMD5). Also called: EMERY-DREIFUSS MUSCULAR DYSTROPHY 5. Identifiers: Orphanet 261, MedGen C2751805, MONDO:0013072, OMIM 612999.

Allele frequency attached by ClinVar (database versions not stated): gnomAD exomes 0.00007; ExAC 0.00008; ESP Exome Variant Server 0.00017; gnomAD 0.00021 and 0.00022; TOPMed 0.00028; 1000 Genomes Project 30x 0.00031; 1000 Genomes Project 0.00040.
gnomAD v4.1: 104 of 1,614,058 alleles (0.0064%); highest among the groups gnomAD compares: African/African-American, 0.065%; no homozygotes.

Submissions (4):

Labcorp Genetics (formerly Invitae), Labcorp
Classification: Uncertain significance for Emery-Dreifuss muscular dystrophy 5, autosomal dominant. Last evaluated: 2026-01-12. Review status: criteria provided, single submitter. Criteria: Invitae Variant Classification Sherloc (09022015). Collection method: clinical testing. Allele origin: germline.
Comment: This sequence change replaces arginine, which is basic and polar, with tryptophan, which is neutral and slightly polar, at codon 3081 of the SYNE2 protein (p.Arg3081Trp). This variant is present in population databases (rs150085946, gnomAD 0.07%), and has an allele count higher than expected for a pathogenic variant. This variant has not been reported in the literature in individuals affected with SYNE2-related conditions. ClinVar contains an entry for this variant (Variation ID: 648931). An algorithm developed to predict the effect of missense changes on protein structure and function (PolyPhen-2) suggests that this variant is likely to be tolerated. In summary, the available evidence is currently insufficient to determine the role of this variant in disease. Therefore, it has been classified as a Variant of Uncertain Significance.

Athena Diagnostics
Classification: Uncertain significance. Last evaluated: 2025-10-08. Review status: criteria provided, single submitter. Criteria: Athena Diagnostics Criteria. Collection method: clinical testing. Allele origin: unknown.
Comment: Available data are insufficient to determine the clinical significance of the variant at this time. The frequency of this variant in the general population is uninformative in assessment of its pathogenicity. Polyphen and MutationTaster predict this amino acid change may be benign.

Fulgent Genetics
Classification: Uncertain significance for Emery-Dreifuss muscular dystrophy 5, autosomal dominant. Last evaluated: 2021-08-25. Review status: criteria provided, single submitter. Criteria: ACMG Guidelines, 2015. Collection method: clinical testing. Allele origin: unknown.

Revvity Omics, Revvity
Classification: Uncertain significance for Emery-Dreifuss muscular dystrophy 5, autosomal dominant. Last evaluated: 2019-08-12. Review status: criteria provided, single submitter. Criteria: ACMG Guidelines, 2015. Collection method: clinical testing. Allele origin: germline.

NM_182914.3(SYNE2):c.9241C>T (p.Arg3081Trp)

Gene: SYNE2 (spectrin repeat containing nuclear envelope protein 2; plus strand). Cytogenetic location: 14q23.2.
Variant type: single nucleotide variant.
Coding change: c.9241C>T on transcript NM_182914.3 (MANE Select); coding-DNA position 9241, C replaced by T.
Protein change: p.Arg3081Trp; replaces arginine 3081 with tryptophan.
Molecular consequence: missense variant.
Genome position (GRCh38, 1-based): chr14:64,053,154, C>T. VCF-style: chr14-64053154-C-T. GRCh37 (hg19) VCF-style: chr14-64519872-C-T.
Other names: c.9241C>T, p.Arg3081Trp (NM_015180.6); short protein forms R3081W.
Identifiers: ClinVar variation 648931 (VCV000648931.11), dbSNP rs150085946, ClinGen allele CA7221236.
Genomic context (GRCh38, chr14:64,053,154, plus strand): 5'-CAAATTAAGAAAATGACTGAAGTAGTACTAAAAGCTCCTGATAGCTCTCCGGAAAGCAGA[C>T]GGCTCAATGCCCAAATTTTAAGTCAGAGAATTGAGAAAGCCAAGTGTTTATGTGATGAGA-3'
Protein context (NP_878918.2, residues 3071-3091): KAPDSSPESR[Arg3081Trp]LNAQILSQRI